The following is an entry in ClinVar:

ClinVar aggregate classification (germline): Uncertain significance (1 of 4 stars; one submission).

gnomAD v4.1: 10 of 1,614,128 alleles (0.00062%); highest among the groups gnomAD compares: Non-Finnish European, 0.00085%; no homozygotes.

Submission:

Labcorp Genetics (formerly Invitae), Labcorp
Classification: Uncertain significance. Last evaluated: 2024-08-13. Review status: criteria provided, single submitter. Criteria: Invitae Variant Classification Sherloc (09022015). Collection method: clinical testing. Allele origin: germline.
Comment: This sequence change replaces histidine, which is basic and polar, with tyrosine, which is neutral and polar, at codon 97 of the KCNJ11 protein (p.His97Tyr). This variant is not present in population databases (gnomAD no frequency). This missense change has been observed in individual(s) with diabetes (PMID: 32027066). Invitae Evidence Modeling of protein sequence and biophysical properties (such as structural, functional, and spatial information, amino acid conservation, physicochemical variation, residue mobility, and thermodynamic stability) indicates that this missense variant is expected to disrupt KCNJ11 protein function with a positive predictive value of 95%. In summary, the available evidence is currently insufficient to determine the role of this variant in disease. Therefore, it has been classified as a Variant of Uncertain Significance.

Literature cited by the submitters: PubMed 32027066.

NM_000525.4(KCNJ11):c.289C>T (p.His97Tyr)

Gene: KCNJ11 (potassium inwardly rectifying channel subfamily J member 11; minus strand). Cytogenetic location: 11p15.1.
Variant type: single nucleotide variant.
Coding change: c.289C>T on transcript NM_000525.4 (MANE Select); coding-DNA position 289, C replaced by T.
Protein change: p.His97Tyr; replaces histidine 97 with tyrosine.
Molecular consequence: missense variant.
Genome position (GRCh38, 1-based): chr11:17,387,803, G>A on the plus strand (C>T on the coding strand, the complement: KCNJ11 is on the minus strand). VCF-style: chr11-17387803-G-A. GRCh37 (hg19) VCF-style: chr11-17409350-G-A.
Other names: c.28C>T, p.His10Tyr (NM_001166290.2, NM_001377296.1, NM_001377297.1); short protein forms H10Y, H97Y.
Identifiers: ClinVar variation 3677104 (VCV003677104.2).